The following is an entry in ClinVar:

ClinVar aggregate classification (germline): Pathogenic. Review status: reviewed by expert panel (3 of 4 stars). 3 submissions from 3 submitters: Pathogenic (1). 2 of the submissions do not count toward it. Last evaluated 2023-11-14.

Conditions:
X-linked severe combined immunodeficiency (SCIDX1). Also called: X-Linked Combined Immunodeficiency Diseases; SCID, X-LINKED; SEVERE COMBINED IMMUNODEFICIENCY, X-LINKED, T CELL-NEGATIVE, B CELL-POSITIVE, NK CELL-NEGATIVE; T-B+ severe combined immunodeficiency due to gamma chain deficiency; IMMUNODEFICIENCY 4. Identifiers: Orphanet 276, MedGen C6022468, MONDO:0010315, OMIM 300400. Disease mechanism: loss of function.

Submissions (3):

ClinGen Severe Combined Immunodeficiency Variant Curation Expert Panel, ClinGen
Classification: Pathogenic for X-linked severe combined immunodeficiency. Last evaluated: 2023-11-14. Review status: reviewed by expert panel. Criteria: ClinGen SCID ACMG Specifications IL2RG V1.0.0. Collection method: curation. Allele origin: germline. Inheritance: X-linked inheritance.
Comment: The NM_000206.3(IL2RG):c.43C>T (p.Gln15Ter) nonsense variant occurs in exon 1 of 8 and, therefore, may result in NMD (PVS1). Diagnostic criteria for SCID met (very low CD3+ T cells and this variant is Likely Pathogenic without considering PP4) 0.5pt. Total is 1pt; PP4 met (PMID: 18615703). This variant is absent from gnomAD v2.1.1 (PM2_Supporting). In summary, this variant meets the criteria to be classified as pathogenic for X-linked T-B+ severe combined immunodeficiency due to gamma chain deficiency based on the ACMG/AMP criteria applied, as specified by the ClinGen SCID VCEP. Criteria applied: PVS1, PM2_supporting, PP4. (VCEP specifications version 1).

Women's Health and Genetics/Laboratory Corporation of America, LabCorp
Classification: Likely pathogenic for X-linked severe combined immunodeficiency. Last evaluated: 2020-07-23. Review status: criteria provided, single submitter. Criteria: LabCorp Variant Classification Summary - May 2015. Collection method: clinical testing. Allele origin: germline. Not counted in ClinVar's aggregate classification.
Comment: Variant summary: IL2RG c.43C>T (p.Gln15X) results in a premature termination codon, predicted to cause a truncation of the encoded protein or absence of the protein due to nonsense mediated decay, which are commonly known mechanisms for disease. Truncations downstream of this position have been classified as pathogenic by our laboratory. The variant was absent in 183451 control chromosomes (gnomAD). To our knowledge, no experimental evidence demonstrating an impact on protein function has been reported. One clinical diagnostic laboratory has submitted clinical-significance assessments for this variant to ClinVar after 2014, and classified the variant as pathogenic. Based on the evidence outlined above, the variant was classified as likely pathogenic.

GeneDx
Classification: Pathogenic. Last evaluated: 2015-04-01. Review status: criteria provided, single submitter. Criteria: GeneDx Variant Classification (06012015). Collection method: clinical testing. Allele origin: germline. Affected: yes. Not counted in ClinVar's aggregate classification.
Comment: To our knowledge, the Q15X variant has neither been published as a pathogenic variant, nor reported as a benign polymorphism. It was not not observed in approximately 6,500 individuals of European and African American ancestry in the NHLBI Exome Sequencing Project, indicating it is not a common benign variant in these populations. The Q15X nonsense variant is predicted to cause loss of normal protein function either through protein truncation or nonsense-mediated mRNA decay. Although this variant has not been reported in the literature, to our knowledge, we interpret it as pathogenic.

Literature cited by the submitters: PubMed 18615703 (cited by Women's Health and Genetics/Laboratory Corporation of America, LabCorp).

NM_000206.3(IL2RG):c.43C>T (p.Gln15Ter)

Genes: IL2RG (interleukin 2 receptor subunit gamma; minus strand), LOC126863274 (MED14-independent group 3 enhancer GRCh37_chrX:70330888-70332087; plus strand). Cytogenetic location: Xq13.1.
Variant type: single nucleotide variant.
Coding change: c.43C>T on transcript NM_000206.3 (MANE Select); coding-DNA position 43, C replaced by T.
Protein change: p.Gln15Ter; replaces glutamine 15 with a stop codon.
Molecular consequence: nonsense.
Genome position (GRCh38, 1-based): chrX:71,111,497, G>A on the plus strand (C>T on the coding strand, the complement: IL2RG is on the minus strand). VCF-style: chrX-71111497-G-A. GRCh37 (hg19) VCF-style: chrX-70331347-G-A.
Other names: NM_000206.3(IL2RG):c.43C>T; p.Gln15Ter; short protein forms Q15*.
Identifiers: ClinVar variation 372386 (VCV000372386.4), dbSNP rs1057517747, ClinGen allele CA16043285.